The following is an entry in ClinVar:

NM_001042472.3(ABHD12):c.*83G>A

Gene: ABHD12 (abhydrolase domain containing 12, lysophospholipase; minus strand). Cytogenetic location: 20p11.21.
Variant type: single nucleotide variant.
Coding change: c.*83G>A on transcript NM_001042472.3 (MANE Select); 83 bases downstream of the stop codon, G replaced by A.
Molecular consequence: 3 prime UTR variant. On other transcripts: intron variant (1).
Genome position (GRCh38, 1-based): chr20:25,300,762, C>T on the plus strand (G>A on the coding strand, the complement: ABHD12 is on the minus strand). VCF-style: chr20-25300762-C-T. GRCh37 (hg19) VCF-style: chr20-25281398-C-T.
Other names: c.1157+1457G>A (NM_015600.5).
Identifiers: ClinVar variation 337988 (VCV000337988.7), dbSNP rs2424708, ClinGen allele CA10653025.

ClinVar aggregate classification (germline): Benign. Review status: criteria provided, multiple submitters, no conflicts (2 of 4 stars). 3 submissions from 3 submitters: Benign (3). Last evaluated 2018-06-24.

Conditions:
PHARC syndrome. Also called: Polyneuropathy-hearing loss-ataxia-retinitis pigmentosa-cataract syndrome. Identifiers: Orphanet 171848, MedGen C2675204, MONDO:0012984, OMIM 612674.

Allele frequency attached by ClinVar (database versions not stated): TOPMed 0.36889; gnomAD 0.37241 and 0.38196; 1000 Genomes Project 30x 0.43410; 1000 Genomes Project 0.45168.
gnomAD v4.1: 701,306 of 1,608,902 alleles (44%); highest among the groups gnomAD compares: East Asian, 91%; 161,498 homozygotes.

Submissions (3):

GeneDx
Classification: Benign. Last evaluated: 2018-06-24. Review status: criteria provided, single submitter. Criteria: GeneDx Variant Classification Process June 2021. Collection method: clinical testing. Allele origin: germline. Affected: yes.

Illumina Laboratory Services, Illumina
Classification: Benign for PHARC syndrome. Last evaluated: 2017-04-27. Review status: criteria provided, single submitter. Criteria: ICSL Variant Classification Criteria 13 December 2019. Collection method: clinical testing. Allele origin: germline.
Comment: This variant was observed as part of a predisposition screen in an ostensibly healthy population. A literature search was performed for the gene, cDNA change, and amino acid change (where applicable). No publications were found based on this search. Allele frequency data from public databases was too high to be consistent with this variant causing disease. Therefore, this variant is classified as benign.

Breakthrough Genomics
Classification: Benign. Review status: criteria provided, single submitter. Criteria: ACMG Guidelines, 2015. Collection method: not provided. Allele origin: germline. Inheritance: Autosomal recessive inheritance. Affected: yes.